The following is an entry in ClinVar:

ClinVar aggregate classification (germline): Uncertain significance. Review status: criteria provided, multiple submitters, no conflicts (2 of 4 stars). 2 submissions from 2 submitters: Uncertain significance (2). Last evaluated 2024-08-29.

Allele frequency attached by ClinVar (database versions not stated): gnomAD 0.00025 and 0.00028; 1000 Genomes Project 30x 0.00031; TOPMed 0.00031; 1000 Genomes Project 0.00040; ESP Exome Variant Server 0.00046.
gnomAD v4.1: 80 of 1,610,132 alleles (0.005%); highest among the groups gnomAD compares: African/African-American, 0.06%; 1 homozygote.

Submissions (5):

Blueprint Genetics
Classification: Uncertain significance. Last evaluated: 2024-08-29. Review status: criteria provided, single submitter. Criteria: ACMG Guidelines, 2015. Collection method: clinical testing. Allele origin: germline.

Labcorp Genetics (formerly Invitae), Labcorp
Classification: Uncertain significance. Last evaluated: 2022-08-31. Review status: criteria provided, single submitter. Criteria: Invitae Variant Classification Sherloc (09022015). Collection method: clinical testing. Allele origin: germline.
Comment: This sequence change replaces arginine, which is basic and polar, with glutamine, which is neutral and polar, at codon 225 of the CFAP410 protein (p.Arg225Gln). This variant is present in population databases (rs148553252, gnomAD 0.08%). This variant has not been reported in the literature in individuals affected with CFAP410-related conditions. ClinVar contains an entry for this variant (Variation ID: 857942). Algorithms developed to predict the effect of missense changes on protein structure and function output the following: SIFT: "Tolerated"; PolyPhen-2: "Benign"; Align-GVGD: "Class C0". The glutamine amino acid residue is found in multiple mammalian species, which suggests that this missense change does not adversely affect protein function. Algorithms developed to predict the effect of sequence changes on RNA splicing suggest that this variant may create or strengthen a splice site. In summary, the available evidence is currently insufficient to determine the role of this variant in disease. Therefore, it has been classified as a Variant of Uncertain Significance.

Dr. Peter K. Rogan Lab, Western University
No classification provided (evidence only). Condition: Uterine corpus endometrial carcinoma. Review status: no classification provided. Collection method: in vitro. Allele origin: not applicable. Functional consequence: retained intron. Not counted in ClinVar's aggregate classification.

Dr. Peter K. Rogan Lab, Western University
No classification provided (evidence only). Condition: Uterine corpus endometrial carcinoma. Review status: no classification provided. Collection method: in vitro. Allele origin: not applicable. Functional consequence: retained intron. Not counted in ClinVar's aggregate classification.

Dr. Peter K. Rogan Lab, Western University
No classification provided (evidence only). Condition: Cervical cancer. Review status: no classification provided. Collection method: in vitro. Allele origin: not applicable. Functional consequence: retained intron. Not counted in ClinVar's aggregate classification.

NM_004928.3(CFAP410):c.674G>A (p.Arg225Gln)

Gene: CFAP410 (cilia and flagella associated protein 410; minus strand). Cytogenetic location: 21q22.3.
Variant type: single nucleotide variant.
Coding change: c.674G>A on transcript NM_004928.3 (MANE Select); coding-DNA position 674, G replaced by A.
Protein change: p.Arg225Gln; replaces arginine 225 with glutamine.
Molecular consequence: missense variant.
Genome position (GRCh38, 1-based): chr21:44,330,295, C>T on the plus strand (G>A on the coding strand, the complement: CFAP410 is on the minus strand). VCF-style: chr21-44330295-C-T. GRCh37 (hg19) VCF-style: chr21-45750178-C-T.
Other names: c.671G>A, p.Arg224Gln (NM_001271440.2); c.1031G>A, p.Arg344Gln (NM_001271441.2); c.548G>A, p.Arg183Gln (NM_001271442.1); short protein forms R224Q, R183Q, R344Q, R225Q.
Identifiers: ClinVar variation 857942 (VCV000857942.7), dbSNP rs148553252, ClinGen allele CA10053489.